The following is an entry in ClinVar:

NM_001035.3(RYR2):c.2234A>G (p.Asn745Ser)

Gene: RYR2 (ryanodine receptor 2; plus strand). Cytogenetic location: 1q43.
Variant type: single nucleotide variant.
Coding change: c.2234A>G on transcript NM_001035.3 (MANE Select); coding-DNA position 2234, A replaced by G.
Protein change: p.Asn745Ser; replaces asparagine 745 with serine.
Molecular consequence: missense variant.
Genome position (GRCh38, 1-based): chr1:237,500,741, A>G. VCF-style: chr1-237500741-A-G. GRCh37 (hg19) VCF-style: chr1-237664041-A-G.
Other names: short protein forms N745S.
Identifiers: ClinVar variation 5028685 (VCV005028685.1).
Genomic context (GRCh38, chr1:237,500,741, plus strand): 5'-TGACCTTCCTTAATGTTTTCCCCCCAATAGGTTGTATTGCTCGTACTGTAAGCTCACCAA[A>G]CCAACATCTGTTAAGAACTGATGATGTCATCAGTTGCTGTTTAGATCTGAGTGCCCCAAG-3'
Protein context (NP_001026.2, residues 735-755): GCIARTVSSP[Asn745Ser]QHLLRTDDVI

ClinVar aggregate classification (germline): Uncertain significance (1 of 4 stars; one submission).

Conditions:
Cardiovascular phenotype. Identifiers: MedGen CN230736.

Submission:

Ambry Genetics
Classification: Uncertain significance for Cardiovascular phenotype. Last evaluated: 2026-07-10. Review status: criteria provided, single submitter. Criteria: Ambry Variant Classification Scheme 2023. Collection method: clinical testing. Allele origin: germline.
Comment: The p.N745S variant (also known as c.2234A>G), located in coding exon 21 of the RYR2 gene, results from an A to G substitution at nucleotide position 2234. The asparagine at codon 745 is replaced by serine, an amino acid with highly similar properties. This amino acid position is conserved. In addition, this alteration is predicted to be tolerated by in silico analysis. Based on the available evidence, the clinical significance of this variant remains unclear.